The following is an entry in ClinVar:

ClinVar aggregate classification (germline): Uncertain significance (1 of 4 stars; one submission).

Submission:

Women's Health and Genetics/Laboratory Corporation of America, LabCorp
Classification: Uncertain significance. Last evaluated: 2025-05-13. Review status: criteria provided, single submitter. Criteria: LabCorp Variant Classification Summary - May 2015. Collection method: clinical testing. Allele origin: germline.
Comment: Variant summary: KIF1A c.928G>C (p.Val310Leu) results in a conservative amino acid change in the encoded protein sequence. Algorithms developed to predict the effect of missense changes on protein structure and function are either unavailable or do not agree on the potential impact of this missense change. The variant was absent in 249238 control chromosomes. The available data on variant occurrences in the general population are insufficient to allow any conclusion about variant significance. To our knowledge, no occurrence of c.928G>C in individuals affected with Neuropathy, hereditary sensory, type 2C and no experimental evidence demonstrating its impact on protein function have been reported. No submitters have cited clinical-significance assessments for this variant to ClinVar. Based on the evidence outlined above, the variant was classified as uncertain significance.

NM_001244008.2(KIF1A):c.928G>C (p.Val310Leu)

Gene: KIF1A (kinesin family member 1A; minus strand). Cytogenetic location: 2q37.3.
Variant type: single nucleotide variant.
Coding change: c.928G>C on transcript NM_001244008.2 (MANE Select); coding-DNA position 928, G replaced by C.
Protein change: p.Val310Leu; replaces valine 310 with leucine.
Molecular consequence: missense variant.
Genome position (GRCh38, 1-based): chr2:240,775,881, C>G on the plus strand (G>C on the coding strand, the complement: KIF1A is on the minus strand). VCF-style: chr2-240775881-C-G. GRCh37 (hg19) VCF-style: chr2-241715298-C-G.
Other names: c.928G>C, p.Val310Leu (NM_001320705.2, NM_001330289.2, NM_001330290.2 and 20 more transcripts); short protein forms V310L.
Identifiers: ClinVar variation 3902261 (VCV003902261.1).